The following is an entry in ClinVar:

ClinVar aggregate classification (germline): Uncertain significance (1 of 4 stars; one submission).

Conditions:
Cutis laxa, autosomal dominant 1 (ADCL1). Also called: ELN-Related Cutis Laxa. Identifiers: Orphanet 90348, MedGen C3276539, MONDO:0007411, OMIM 123700. Disease mechanism: Dominant Negative.

Allele frequency attached by ClinVar (database versions not stated): TOPMed below 0.00001.

Submission:

Dr. med. U. Finckh, Human Genetics, Eurofins MVZ
Classification: Uncertain significance for Cutis laxa, autosomal dominant 1. Last evaluated: 2023-04-27. Review status: criteria provided, single submitter. Criteria: ACMG Guidelines, 2015. Collection method: clinical testing. Allele origin: paternal. Observed: 2 heterozygotes.

NM_000501.4(ELN):c.1325A>T (p.Gln442Leu)

Gene: ELN (elastin; plus strand). Cytogenetic location: 7q11.23.
Variant type: single nucleotide variant.
Coding change: c.1325A>T on transcript NM_000501.4 (MANE Select); coding-DNA position 1325, A replaced by T.
Protein change: p.Gln442Leu; replaces glutamine 442 with leucine.
Molecular consequence: missense variant.
Genome position (GRCh38, 1-based): chr7:74,056,681, A>T. VCF-style: chr7-74056681-A-T. GRCh37 (hg19) VCF-style: chr7-73471011-A-T.
Other names: c.1295A>T, p.Gln432Leu (NM_001081752.3, NM_001278917.2); c.1340A>T, p.Gln447Leu (NM_001081753.3, NM_001081754.3); c.1325A>T, p.Gln442Leu (NM_001081755.3, NM_001278912.2, NM_001278915.2 and 1 more transcripts); c.1139A>T, p.Gln380Leu (NM_001278913.2); c.1310A>T, p.Gln437Leu (NM_001278914.2); c.1283A>T, p.Gln428Leu (NM_001278916.2); c.1115A>T, p.Gln372Leu (NM_001278918.2); short protein forms Q372L, Q380L, Q428L, Q432L, Q437L, Q442L, Q447L.
Identifiers: ClinVar variation 2580958 (VCV002580958.1), dbSNP rs1795311914, ClinGen allele CA367881964.